The following is an entry in ClinVar:

NM_003172.4(SURF1):c.804del (p.Asn269fs)

Gene: SURF1 (SURF1 cytochrome c oxidase assembly factor; minus strand). Cytogenetic location: 9q34.2.
Variant type: Deletion.
Coding change: c.804del on transcript NM_003172.4 (MANE Select); coding-DNA position 804, one base deleted (G; older notation c.804delG).
Protein change: p.Asn269fs; shifts the reading frame from asparagine 269.
Molecular consequence: frameshift variant.
Genome position (GRCh38, 1-based): chr9:133,352,090, C deleted on the plus strand (G on the coding strand, the reverse complement: SURF1 is on the minus strand); the first of 2 consecutive C bases (chr9:133,352,090-133,352,091); deleting either gives the same sequence. VCF-style (leftmost placement, unchanged base first): chr9-133352089-TC-T. GRCh37 (hg19) VCF-style: chr9-136218944-TC-T.
Other names: c.477del, p.Asn160fs (NM_001280787.1); short protein forms N160fs, N269fs.
Identifiers: ClinVar variation 2727846 (VCV002727846.4), dbSNP rs2490613666, ClinGen allele CA2579498289.
Genomic context (GRCh38, chr9:133,352,089, plus strand): 5'-GGGAGGAAGCCAGAGGGCCGCTGGGGACTCACCAGGTCACGATGTACTGCAGATGCTCGT[TC>T]CTCAGAGTAACTCTGGTTTGCCCTCCAATGGGTCCTCCAGGGACTGTGCTCTCTGTGGAG-3'

ClinVar aggregate classification (germline): Pathogenic/Likely pathogenic. Review status: criteria provided, multiple submitters, no conflicts (2 of 4 stars). 2 submissions from 2 submitters: Pathogenic (1); Likely pathogenic (1). Last evaluated 2023-12-23.

Conditions:
Charcot-Marie-Tooth disease type 4K. Also called: CHARCOT-MARIE-TOOTH DISEASE, DEMYELINATING, AUTOSOMAL RECESSIVE, TYPE 4K; CHARCOT-MARIE-TOOTH NEUROPATHY, DEMYELINATING, AUTOSOMAL RECESSIVE, TYPE 4K; CHARCOT-MARIE-TOOTH DISEASE, DEMYELINATING, TYPE 4K. Identifiers: Orphanet 391351, MedGen C4225246, MONDO:0014733, OMIM 616684.
Mitochondrial complex IV deficiency, nuclear type 1 (MC4DN1). Also called: COX DEFICIENCY; Mitochondrial complex IV deficiency; Complex 4 mitochondrial respiratory chain deficiency; Deficiency of mitochondrial respiratory chain complex4; Complex IV deficiency. Identifiers: MedGen C5435656, MONDO:0700250, OMIM 220110. Disease mechanism: loss of function.
Leigh syndrome (NULS). Also called: LEIGH SYNDROME, NUCLEAR; Leigh Disease; Leigh's syndrome; Subacute necrotizing encephalopathy; Necrotizing encephalopathy infantile subacute of Leigh; Leigh's necrotizing encephalopathy. Identifiers: Orphanet 506, MedGen C2931891, MONDO:0009723, OMIM 256000.

Submissions (2):

Fulgent Genetics
Classification: Likely pathogenic for Mitochondrial complex IV deficiency, nuclear type 1; Charcot-Marie-Tooth disease type 4K. Last evaluated: 2023-12-23. Review status: criteria provided, single submitter. Criteria: ACMG Guidelines, 2015. Collection method: clinical testing. Allele origin: germline.

Labcorp Genetics (formerly Invitae), Labcorp
Classification: Pathogenic for Leigh syndrome. Last evaluated: 2023-04-01. Review status: criteria provided, single submitter. Criteria: Invitae Variant Classification Sherloc (09022015). Collection method: clinical testing. Allele origin: germline.
Comment: This variant disrupts a region of the SURF1 protein in which other variant(s) (p.Ser282Cysfs*9) have been determined to be pathogenic (PMID: 9837813, 16326995, 18583168, 22488715, 23829769). This suggests that this is a clinically significant region of the protein, and that variants that disrupt it are likely to be disease-causing. This variant is not present in population databases (gnomAD no frequency). This variant has not been reported in the literature in individuals affected with SURF1-related conditions. For these reasons, this variant has been classified as Pathogenic. This sequence change creates a premature translational stop signal (p.Asn269Thrfs*8) in the SURF1 gene. While this is not anticipated to result in nonsense mediated decay, it is expected to disrupt the last 32 amino acid(s) of the SURF1 protein.

Literature cited by the submitters: PubMed 9837813 (cited by Labcorp Genetics (formerly Invitae), Labcorp); PubMed 16326995 (cited by Labcorp Genetics (formerly Invitae), Labcorp); PubMed 18583168 (cited by Labcorp Genetics (formerly Invitae), Labcorp); PubMed 22488715 (cited by Labcorp Genetics (formerly Invitae), Labcorp); PubMed 23829769 (cited by Labcorp Genetics (formerly Invitae), Labcorp).